The following is an entry in ClinVar:

NM_000038.6(APC):c.2813C>T (p.Thr938Ile)

Gene: APC (APC regulator of Wnt signaling pathway; plus strand). Cytogenetic location: 5q22.2.
Variant type: single nucleotide variant.
Coding change: c.2813C>T on transcript NM_000038.6 (MANE Select); coding-DNA position 2813, C replaced by T.
Protein change: p.Thr938Ile; replaces threonine 938 with isoleucine.
Molecular consequence: missense variant. On other transcripts: non-coding transcript variant (2).
Genome position (GRCh38, 1-based): chr5:112,838,407, C>T. VCF-style: chr5-112838407-C-T. GRCh37 (hg19) VCF-style: chr5-112174104-C-T.
Other names: c.2813C>T, p.Thr938Ile (NM_001127510.3, NM_001354895.2, NM_001407450.1); c.2759C>T, p.Thr920Ile (NM_001127511.3); c.2867C>T, p.Thr956Ile (NM_001354896.2, NM_001407447.1, NM_001407448.1 and 1 more transcripts); c.2843C>T, p.Thr948Ile (NM_001354897.2); c.2738C>T, p.Thr913Ile (NM_001354898.2); c.2729C>T, p.Thr910Ile (NM_001354899.2); c.2690C>T, p.Thr897Ile (NM_001354900.2); c.2636C>T, p.Thr879Ile (NM_001354901.2, NM_001407453.1); and 11 more; short protein forms T554I, T655I, T778I, T809I, T812I, T837I, T847I, T855I.
Identifiers: ClinVar variation 3383769 (VCV003383769.2).
Genomic context (GRCh38, chr5:112,838,407, plus strand): 5'-AGAGAAATGCACTTAGAAGAAGCTCTGCTGCCCATACACATTCAAACACTTACAATTTCA[C>T]TAAGTCGGAAAATTCAAATAGGACATGTTCTATGCCTTATGCCAAATTAGAATACAAGAG-3'
Protein context (NP_000029.2, residues 928-948): AHTHSNTYNF[Thr938Ile]KSENSNRTCS

ClinVar aggregate classification (germline): Uncertain significance. Review status: criteria provided, multiple submitters, no conflicts (2 of 4 stars). 2 submissions from 2 submitters: Uncertain significance (2). Last evaluated 2024-07-17.

Conditions:
Hereditary cancer-predisposing syndrome. Also called: Neoplastic Syndromes, Hereditary; Hereditary Cancer Syndrome; Tumor predisposition; Hereditary neoplastic syndrome. Identifiers: Orphanet 140162, MedGen C0027672, MeSH D009386, MONDO:0015356.

Submissions (2):

Ambry Genetics
Classification: Uncertain significance for Hereditary cancer-predisposing syndrome. Last evaluated: 2024-07-17. Review status: criteria provided, single submitter. Criteria: Ambry Variant Classification Scheme 2023. Collection method: clinical testing. Allele origin: germline.
Comment: The p.T938I variant (also known as c.2813C>T), located in coding exon 15 of the APC gene, results from a C to T substitution at nucleotide position 2813. The threonine at codon 938 is replaced by isoleucine, an amino acid with similar properties. This amino acid position is conserved. In addition, in silico predictors for this gene do not accurately predict pathogenicity. Based on the available evidence, the clinical significance of this variant remains unclear.

GeneDx
Classification: Uncertain significance. Last evaluated: 2024-05-28. Review status: criteria provided, single submitter. Criteria: GeneDx Variant Classification Process June 2021. Collection method: clinical testing. Allele origin: germline. Affected: yes.
Comment: Not observed at significant frequency in large population cohorts (gnomAD); In silico analysis indicates that this missense variant does not alter protein structure/function; Has not been previously published as pathogenic or benign to our knowledge